The following is an entry in ClinVar:

NM_000748.3(CHRNB2):c.785G>A (p.Cys262Tyr)

Gene: CHRNB2 (cholinergic receptor nicotinic beta 2 subunit; plus strand). Cytogenetic location: 1q21.3.
Variant type: single nucleotide variant.
Coding change: c.785G>A on transcript NM_000748.3 (MANE Select); coding-DNA position 785, G replaced by A.
Protein change: p.Cys262Tyr; replaces cysteine 262 with tyrosine.
Molecular consequence: missense variant.
Genome position (GRCh38, 1-based): chr1:154,571,608, G>A. VCF-style: chr1-154571608-G-A. GRCh37 (hg19) VCF-style: chr1-154544084-G-A.
Other names: short protein forms C262Y.
Identifiers: ClinVar variation 2077084 (VCV002077084.4), dbSNP rs2526369934, ClinGen allele CA342630829.

ClinVar aggregate classification (germline): Uncertain significance (1 of 4 stars; one submission).

Conditions:
Familial sleep-related hypermotor epilepsy. Also called: Autosomal Dominant Sleep-Related Hypermotor (Hyperkinetic) Epilepsy. Identifiers: Orphanet 98784, MedGen C3696898, MONDO:0000030.

Allele frequency attached by ClinVar (database versions not stated): gnomAD exomes below 0.00001.

Submission:

Labcorp Genetics (formerly Invitae), Labcorp
Classification: Uncertain significance. Last evaluated: 2022-01-07. Review status: criteria provided, single submitter. Criteria: Invitae Variant Classification Sherloc (09022015). Collection method: clinical testing. Allele origin: germline.
Comment: In summary, the available evidence is currently insufficient to determine the role of this variant in disease. Therefore, it has been classified as a Variant of Uncertain Significance. Advanced modeling of protein sequence and biophysical properties (such as structural, functional, and spatial information, amino acid conservation, physicochemical variation, residue mobility, and thermodynamic stability) performed at Invitae indicates that this missense variant is expected to disrupt CHRNB2 protein function. This variant has not been reported in the literature in individuals affected with CHRNB2-related conditions. This variant is not present in population databases (gnomAD no frequency). This sequence change replaces cysteine, which is neutral and slightly polar, with tyrosine, which is neutral and polar, at codon 262 of the CHRNB2 protein (p.Cys262Tyr).